The following is an entry in ClinVar:

NM_000059.4(BRCA2):c.437T>C (p.Leu146Pro)

Gene: BRCA2 (BRCA2 DNA repair associated; plus strand). Cytogenetic location: 13q13.1.
Variant type: single nucleotide variant.
Coding change: c.437T>C on transcript NM_000059.4 (MANE Select); coding-DNA position 437, T replaced by C.
Protein change: p.Leu146Pro; replaces leucine 146 with proline.
Molecular consequence: missense variant.
Genome position (GRCh38, 1-based): chr13:32,326,112, T>C. VCF-style: chr13-32326112-T-C. GRCh37 (hg19) VCF-style: chr13-32900249-T-C.
Other names: short protein forms L146P.
Identifiers: ClinVar variation 140997 (VCV000140997.24), dbSNP rs539929888, ClinGen allele CA020071.

ClinVar aggregate classification (germline): Conflicting classifications of pathogenicity. Review status: criteria provided, conflicting classifications (1 of 4 stars). 5 submissions from 5 submitters: Uncertain significance (4); Likely benign (1). Last evaluated 2025-12-16.

Conditions:
Hereditary cancer-predisposing syndrome. Also called: Neoplastic Syndromes, Hereditary; Tumor predisposition; Hereditary Cancer Syndrome; Hereditary neoplastic syndrome. Identifiers: Orphanet 140162, MedGen C0027672, MeSH D009386, MONDO:0015356.
Hereditary breast ovarian cancer syndrome. Also called: Breast and ovarian cancer; Hereditary breast and ovarian cancer; Hereditary breast and/or ovarian cancer syndrome; BRCA1- and BRCA2-Associated Hereditary Breast and Ovarian Cancer; Hereditary breast and ovarian cancer syndrome; Hereditary breast and ovarian cancer syndrome (HBOC). Identifiers: Orphanet 145, MedGen C0677776, MeSH D061325, MONDO:0003582. Disease mechanism: loss of function.
Familial cancer of breast. Also called: BREAST CANCER, FAMILIAL; Hereditary breast cancer; hereditary breast carcinoma. Identifiers: Orphanet 227535, MedGen C0346153, MONDO:0016419, OMIM 114480. Disease mechanism: loss of function.

Allele frequency attached by ClinVar (database versions not stated): gnomAD exomes below 0.00001; ExAC 0.00001; gnomAD 0.00001; 1000 Genomes Project 0.00020; 1000 Genomes Project 30x 0.00031.
gnomAD v4.1: 2 of 1,610,022 alleles (0.00012%); highest among the groups gnomAD compares: Admixed American, 0.0033%; no homozygotes.

Submissions (5):

Labcorp Genetics (formerly Invitae), Labcorp
Classification: Likely benign for Hereditary breast ovarian cancer syndrome. Last evaluated: 2025-12-16. Review status: criteria provided, single submitter. Criteria: Invitae Variant Classification Sherloc (09022015). Collection method: clinical testing. Allele origin: germline.

Color Diagnostics, LLC DBA Color Health
Classification: Uncertain significance for Hereditary cancer-predisposing syndrome. Last evaluated: 2024-12-16. Review status: criteria provided, single submitter. Criteria: ACMG Guidelines, 2015. Collection method: clinical testing. Allele origin: germline.
Comment: This missense variant replaces leucine with proline at codon 146 of the BRCA2 protein. Computational prediction suggests that this variant may not impact protein structure and function. To our knowledge, functional studies have not been reported for this variant. This variant has been reported in a multifactorial analysis with co-occurrence and family history likelihood ratios for pathogenicity of 1.0331 and 0.4348, respectively (PMID: 31131967). This variant has been identified in 1/250866 chromosomes in the general population by the Genome Aggregation Database (gnomAD). The available evidence is insufficient to determine the role of this variant in disease conclusively. Therefore, this variant is classified as a Variant of Uncertain Significance.

Ambry Genetics
Classification: Uncertain significance for Hereditary cancer-predisposing syndrome. Last evaluated: 2024-08-17. Review status: criteria provided, single submitter. Criteria: Ambry Variant Classification Scheme 2023. Collection method: clinical testing. Allele origin: germline.
Comment: The p.L146P variant (also known as c.437T>C), located in coding exon 4 of the BRCA2 gene, results from a T to C substitution at nucleotide position 437. The leucine at codon 146 is replaced by proline, an amino acid with similar properties. This amino acid position is well conserved in available vertebrate species. In addition, the in silico prediction for this alteration is inconclusive. Since supporting evidence is limited at this time, the clinical significance of this alteration remains unclear.

Women's Health and Genetics/Laboratory Corporation of America, LabCorp
Classification: Uncertain significance. Last evaluated: 2023-12-13. Review status: criteria provided, single submitter. Criteria: LabCorp Variant Classification Summary - May 2015. Collection method: clinical testing. Allele origin: germline.
Comment: Variant summary: BRCA2 c.437T>C (p.Leu146Pro) results in a non-conservative amino acid change in the encoded protein sequence. Three of five in-silico tools predict a benign effect of the variant on protein function. The variant allele was found at a frequency of 4e-06 in 250866 control chromosomes (gnomAD). The available data on variant occurrences in the general population are insufficient to allow any conclusion about variant significance. To our knowledge, no occurrence of c.437T>C in individuals affected with Hereditary Breast And Ovarian Cancer Syndrome and no experimental evidence demonstrating its impact on protein function have been reported. A report from the CAGI5 ENIGMA challenge has classified this variant as likely benign (Cline_2019). The following publication has been ascertained in the context of this evaluation (PMID: 31294896). Three submitters have cited clinical-significance assessments for this variant to ClinVar after 2014. All submitters classified the variant as uncertain significance. Based on the evidence outlined above, the variant was classified as uncertain significance.

Baylor Genetics
Classification: Uncertain significance for Familial cancer of breast. Last evaluated: 2023-10-22. Review status: criteria provided, single submitter. Criteria: ACMG Guidelines, 2015. Collection method: clinical testing. Allele origin: unknown.

Literature cited by the submitters: PubMed 31131967 (cited by Color Diagnostics, LLC DBA Color Health); PubMed 31294896 (cited by Women's Health and Genetics/Laboratory Corporation of America, LabCorp).